The following is an entry in ClinVar:

NM_021930.6(RINT1):c.501A>T (p.Gln167His)

Gene: RINT1 (RAD50 interactor 1; plus strand). Cytogenetic location: 7q22.3.
Variant type: single nucleotide variant.
Coding change: c.501A>T on transcript NM_021930.6 (MANE Select); coding-DNA position 501, A replaced by T.
Protein change: p.Gln167His; replaces glutamine 167 with histidine.
Molecular consequence: missense variant. On other transcripts: 5 prime UTR variant (3), non-coding transcript variant (1).
Genome position (GRCh38, 1-based): chr7:105,542,635, A>T. VCF-style: chr7-105542635-A-T. GRCh37 (hg19) VCF-style: chr7-105183082-A-T.
Other names: c.267A>T, p.Gln89His (NM_001346599.2); c.-519A>T (NM_001346600.2); c.-422A>T (NM_001346601.2); c.-42A>T (NM_001346603.2); short protein forms Q167H, Q89H.
Identifiers: ClinVar variation 410812 (VCV000410812.12), dbSNP rs144996870, ClinGen allele CA4426435.

ClinVar aggregate classification (germline): Conflicting classifications of pathogenicity. Review status: criteria provided, conflicting classifications (1 of 4 stars). 2 submissions from 2 submitters: Uncertain significance (1); Likely benign (1). Last evaluated 2025-07-07.

Allele frequency attached by ClinVar (database versions not stated): TOPMed 0.00002; gnomAD 0.00003; gnomAD exomes 0.00003 and 0.00004; ExAC 0.00005; 1000 Genomes Project 30x 0.00016; 1000 Genomes Project 0.00020.
gnomAD v4.1: 48 of 1,612,880 alleles (0.003%); highest among the groups gnomAD compares: Non-Finnish European, 0.004%; no homozygotes.

Submissions (2):

Labcorp Genetics (formerly Invitae), Labcorp
Classification: Uncertain significance. Last evaluated: 2025-07-07. Review status: criteria provided, single submitter. Criteria: Invitae Variant Classification Sherloc (09022015). Collection method: clinical testing. Allele origin: germline.
Comment: This sequence change replaces glutamine, which is neutral and polar, with histidine, which is basic and polar, at codon 167 of the RINT1 protein (p.Gln167His). This variant is present in population databases (rs144996870, gnomAD 0.008%). This missense change has been observed in individual(s) with breast cancer (PMID: 25050558). ClinVar contains an entry for this variant (Variation ID: 410812). An algorithm developed to predict the effect of missense changes on protein structure and function (PolyPhen-2) suggests that this variant is likely to be tolerated. In summary, the available evidence is currently insufficient to determine the role of this variant in disease. Therefore, it has been classified as a Variant of Uncertain Significance.

Ambry Genetics
Classification: Likely benign. Last evaluated: 2024-03-04. Review status: criteria provided, single submitter. Criteria: Ambry Variant Classification Scheme 2023. Collection method: clinical testing. Allele origin: germline.

Literature cited by the submitters: PubMed 25050558 (cited by Labcorp Genetics (formerly Invitae), Labcorp and Ambry Genetics).